The following is an entry in ClinVar:

ClinVar aggregate classification (germline): Conflicting classifications of pathogenicity. Review status: criteria provided, conflicting classifications (1 of 4 stars). 5 submissions from 5 submitters: Uncertain significance (1); Benign (1); Likely benign (3). Last evaluated 2026-04-01.

Conditions:
COG7 congenital disorder of glycosylation (CDG2E). Also called: CONGENITAL DISORDER OF GLYCOSYLATION, TYPE IIe; CDG IIe. Identifiers: Orphanet 79333, MedGen C2931010, MONDO:0012118, OMIM 608779.

Allele frequency attached by ClinVar (database versions not stated): gnomAD exomes 0.00017 and 0.00028; ExAC 0.00033; TOPMed 0.00082; gnomAD 0.00088 and 0.00091; ESP Exome Variant Server 0.00100; 1000 Genomes Project 30x 0.00125; 1000 Genomes Project 0.00140.
gnomAD v4.1: 403 of 1,614,208 alleles (0.025%); highest among the groups gnomAD compares: African/African-American, 0.33%; 1 homozygote.

Submissions (5):

CeGaT Center for Human Genetics Tuebingen
Classification: Likely benign. Last evaluated: 2026-04-01. Review status: criteria provided, single submitter. Criteria: CeGaT Center For Human Genetics Tuebingen Variant Classification Criteria Version 2. Collection method: clinical testing. Allele origin: germline. Affected: yes. Observed: 1 variant allele.
Comment: COG7: BP4, BP7

Labcorp Genetics (formerly Invitae), Labcorp
Classification: Benign for COG7 congenital disorder of glycosylation. Last evaluated: 2026-02-01. Review status: criteria provided, single submitter. Criteria: Invitae Variant Classification Sherloc (09022015). Collection method: clinical testing. Allele origin: germline.

Blueprint Genetics
Classification: Likely benign. Last evaluated: 2024-06-26. Review status: criteria provided, single submitter. Criteria: ACMG Guidelines, 2015. Collection method: clinical testing. Allele origin: germline.

Illumina Laboratory Services, Illumina
Classification: Uncertain significance for COG7 congenital disorder of glycosylation. Last evaluated: 2018-01-12. Review status: criteria provided, single submitter. Criteria: ICSL Variant Classification Criteria 13 December 2019. Collection method: clinical testing. Allele origin: germline.

GeneDx
Classification: Likely benign. Last evaluated: 2016-04-26. Review status: criteria provided, single submitter. Criteria: GeneDx Variant Classification (06012015). Collection method: clinical testing. Allele origin: germline. Affected: yes.
Comment: This variant is considered likely benign or benign based on one or more of the following criteria: it is a conservative change, it occurs at a poorly conserved position in the protein, it is predicted to be benign by multiple in silico algorithms, and/or has population frequency not consistent with disease.

NM_153603.4(COG7):c.900C>T (p.Asn300=)

Gene: COG7 (component of oligomeric golgi complex 7; minus strand). Cytogenetic location: 16p12.2.
Variant type: single nucleotide variant.
Coding change: c.900C>T on transcript NM_153603.4 (MANE Select); coding-DNA position 900, C replaced by T.
Protein change: p.Asn300=; no amino-acid change (asparagine 300 retained).
Molecular consequence: synonymous variant.
Genome position (GRCh38, 1-based): chr16:23,424,858, G>A on the plus strand (C>T on the coding strand, the complement: COG7 is on the minus strand). VCF-style: chr16-23424858-G-A. GRCh37 (hg19) VCF-style: chr16-23436179-G-A.
Identifiers: ClinVar variation 318481 (VCV000318481.15), dbSNP rs112611398, ClinGen allele CA7961147.